The following is an entry in ClinVar:

NM_025114.4(CEP290):c.3542A>G (p.Glu1181Gly)

Gene: CEP290 (centrosomal protein 290; minus strand). Cytogenetic location: 12q21.32.
Variant type: single nucleotide variant.
Coding change: c.3542A>G on transcript NM_025114.4 (MANE Select); coding-DNA position 3542, A replaced by G.
Protein change: p.Glu1181Gly; replaces glutamic acid 1181 with glycine.
Molecular consequence: missense variant.
Genome position (GRCh38, 1-based): chr12:88,090,759, T>C on the plus strand (A>G on the coding strand, the complement: CEP290 is on the minus strand). VCF-style: chr12-88090759-T-C. GRCh37 (hg19) VCF-style: chr12-88484536-T-C.
Other names: short protein forms E1181G.
Identifiers: ClinVar variation 1362199 (VCV001362199.5), dbSNP rs1402260550, ClinGen allele CA386001766.
Genomic context (GRCh38, chr12:88,090,759, plus strand): 5'-CTATGTAGAAGAGCCAATACTGCACATACCTGATAGTCTAGCAGTTGCATTCTGAGGGAC[T>C]CTACTTCCTTGTCCCTAGATTGTTGTTGTGCATTCAAAATTTCAACTTGTCTTCTGGCAA-3'
Protein context (NP_079390.3, residues 1171-1191): AQQQSRDKEV[Glu1181Gly]SLRMQLLDYQ

ClinVar aggregate classification (germline): Uncertain significance (1 of 4 stars; one submission).

Conditions:
Joubert syndrome. Also called: CEREBELLOPARENCHYMAL DISORDER IV; JOUBERT-BOLTSHAUSER SYNDROME; Familial aplasia of the vermis. Identifiers: Orphanet 475, MedGen C5979921, MONDO:0018772.
Nephronophthisis. Also called: Juvenile Nephronophthisis. Identifiers: Orphanet 655, MedGen C0687120, MONDO:0019005, HP:0000090.
Meckel-Gruber syndrome. Also called: DYSENCEPHALIA SPLANCHNOCYSTICA; GRUBER SYNDROME; Dysencephalia splachnocystica. Identifiers: Orphanet 564, MedGen C0265215, MONDO:0018921.

Allele frequency attached by ClinVar (database versions not stated): gnomAD exomes below 0.00001.
gnomAD v4.1: 2 of 1,561,474 alleles (0.00013%); highest among the groups gnomAD compares: Non-Finnish European, 0.00017%; no homozygotes.

Submission:

Labcorp Genetics (formerly Invitae), Labcorp
Classification: Uncertain significance for Joubert syndrome; Meckel-Gruber syndrome; Nephronophthisis. Last evaluated: 2021-09-01. Review status: criteria provided, single submitter. Criteria: Invitae Variant Classification Sherloc (09022015). Collection method: clinical testing. Allele origin: germline.
Comment: This sequence change replaces glutamic acid with glycine at codon 1181 of the CEP290 protein (p.Glu1181Gly). The glutamic acid residue is highly conserved and there is a moderate physicochemical difference between glutamic acid and glycine. This variant is not present in population databases (ExAC no frequency). This variant has not been reported in the literature in individuals affected with CEP290-related conditions. Algorithms developed to predict the effect of missense changes on protein structure and function are either unavailable or do not agree on the potential impact of this missense change (SIFT: "Tolerated"; PolyPhen-2: "Possibly Damaging"; Align-GVGD: "Class C0"). In summary, the available evidence is currently insufficient to determine the role of this variant in disease. Therefore, it has been classified as a Variant of Uncertain Significance.